The following is an entry in ClinVar:

NM_000285.4(PEPD):c.843T>G (p.Tyr281Ter)

Gene: PEPD (peptidase D; minus strand). Cytogenetic location: 19q13.11.
Variant type: single nucleotide variant.
Coding change: c.843T>G on transcript NM_000285.4 (MANE Select); coding-DNA position 843, T replaced by G.
Protein change: p.Tyr281Ter; replaces tyrosine 281 with a stop codon.
Molecular consequence: nonsense.
Genome position (GRCh38, 1-based): chr19:33,401,845, A>C on the plus strand (T>G on the coding strand, the complement: PEPD is on the minus strand). VCF-style: chr19-33401845-A-C. GRCh37 (hg19) VCF-style: chr19-33892751-A-C.
Other names: c.720T>G, p.Tyr240Ter (NM_001166056.2); c.651T>G, p.Tyr217Ter (NM_001166057.2); short protein forms Y281*, Y217*, Y240*.
Identifiers: ClinVar variation 2870362 (VCV002870362.3), dbSNP rs756506775, ClinGen allele CA405224726.

ClinVar aggregate classification (germline): Pathogenic (1 of 4 stars; one submission).

Submission:

Labcorp Genetics (formerly Invitae), Labcorp
Classification: Pathogenic. Last evaluated: 2023-06-03. Review status: criteria provided, single submitter. Criteria: Invitae Variant Classification Sherloc (09022015). Collection method: clinical testing. Allele origin: germline.
Comment: For these reasons, this variant has been classified as Pathogenic. This variant has not been reported in the literature in individuals affected with PEPD-related conditions. This variant is not present in population databases (gnomAD no frequency). This sequence change creates a premature translational stop signal (p.Tyr281*) in the PEPD gene. It is expected to result in an absent or disrupted protein product. Loss-of-function variants in PEPD are known to be pathogenic (PMID: 8198124, 10721675, 12384772, 17142620).

Literature cited by the submitters: PubMed 8198124; PubMed 10721675; PubMed 12384772; PubMed 17142620.